The following is an entry in ClinVar:

NM_002471.4(MYH6):c.3902C>T (p.Ser1301Leu)

Gene: MYH6 (myosin heavy chain 6; minus strand). Cytogenetic location: 14q11.2.
Variant type: single nucleotide variant.
Coding change: c.3902C>T on transcript NM_002471.4 (MANE Select); coding-DNA position 3902, C replaced by T.
Protein change: p.Ser1301Leu; replaces serine 1301 with leucine.
Molecular consequence: missense variant.
Genome position (GRCh38, 1-based): chr14:23,389,469, G>A on the plus strand (C>T on the coding strand, the complement: MYH6 is on the minus strand). VCF-style: chr14-23389469-G-A. GRCh37 (hg19) VCF-style: chr14-23858678-G-A.
Other names: short protein forms S1301L.
Identifiers: ClinVar variation 807075 (VCV000807075.57), dbSNP rs767570086, ClinGen allele CA7115025.

ClinVar aggregate classification (germline): Uncertain significance. Review status: criteria provided, multiple submitters, no conflicts (2 of 4 stars). 3 submissions from 3 submitters: Uncertain significance (3). Last evaluated 2025-07-31.

Conditions:
Cardiovascular phenotype. Identifiers: MedGen CN230736.
Hypertrophic cardiomyopathy 1 (CMH1). Also called: MYH7-Related Familial Hypertrophic Cardiomyopathy; Familial hypertrophic cardiomyopathy 1. Identifiers: MedGen C3495498, MONDO:0008647, OMIM 192600.
Sick sinus syndrome 3, susceptibility to (SSS3). Identifiers: Orphanet 166282, MedGen C3279791, MONDO:0013568, OMIM 614090.
Dilated cardiomyopathy 1EE (CMD1EE). Identifiers: Orphanet 154, MedGen C2750466, MONDO:0013198, OMIM 613252.
Hypertrophic cardiomyopathy 14. Identifiers: MedGen C2750467, MONDO:0013197, OMIM 613251.
Atrial septal defect 3 (ASD3). Identifiers: Orphanet 1478, MedGen C3279790, MONDO:0013567, OMIM 614089.

Allele frequency attached by ClinVar (database versions not stated): gnomAD 0.00001; gnomAD exomes 0.00001 and below 0.00001; TOPMed below 0.00001; ExAC 0.00001.

Submissions (3):

Ambry Genetics
Classification: Uncertain significance for Cardiovascular phenotype. Last evaluated: 2025-07-31. Review status: criteria provided, single submitter. Criteria: Ambry Variant Classification Scheme 2023. Collection method: clinical testing. Allele origin: germline.
Comment: The p.S1301L variant (also known as c.3902C>T), located in coding exon 26 of the MYH6 gene, results from a C to T substitution at nucleotide position 3902. The serine at codon 1301 is replaced by leucine, an amino acid with dissimilar properties. This amino acid position is well conserved in available vertebrate species. In addition, this alteration is predicted to be tolerated by in silico analysis. Based on the available evidence, the clinical significance of this variant remains unclear.

Labcorp Genetics (formerly Invitae), Labcorp
Classification: Uncertain significance for Hypertrophic cardiomyopathy 14. Last evaluated: 2021-08-03. Review status: criteria provided, single submitter. Criteria: Invitae Variant Classification Sherloc (09022015). Collection method: clinical testing. Allele origin: germline.
Comment: In summary, the available evidence is currently insufficient to determine the role of this variant in disease. Therefore, it has been classified as a Variant of Uncertain Significance. Algorithms developed to predict the effect of missense changes on protein structure and function are either unavailable or do not agree on the potential impact of this missense change (SIFT: "Tolerated"; PolyPhen-2: "Possibly Damaging"; Align-GVGD: "Class C0"). This sequence change replaces serine with leucine at codon 1301 of the MYH6 protein (p.Ser1301Leu). The serine residue is weakly conserved and there is a large physicochemical difference between serine and leucine. This variant is present in population databases (rs767570086, ExAC 0.02%). This variant has not been reported in the literature in individuals affected with MYH6-related conditions. ClinVar contains an entry for this variant (Variation ID: 807075).

Fulgent Genetics
Classification: Uncertain significance for Hypertrophic cardiomyopathy 1; Hypertrophic cardiomyopathy 14; Dilated cardiomyopathy 1EE; Atrial septal defect 3; Sick sinus syndrome 3, susceptibility to. Last evaluated: 2021-07-22. Review status: criteria provided, single submitter. Criteria: ACMG Guidelines, 2015. Collection method: clinical testing. Allele origin: unknown.